The following is an entry in ClinVar:

ClinVar aggregate classification (germline): Uncertain significance (1 of 4 stars; one submission).

Conditions:
Mowat-Wilson syndrome (MOWS). Also called: Classic Mowat-Wilson Syndrome. Identifiers: Orphanet 2152, MedGen C1856113, MONDO:0009341, OMIM 235730.

Submission:

Labcorp Genetics (formerly Invitae), Labcorp
Classification: Uncertain significance for Mowat-Wilson syndrome. Last evaluated: 2018-02-12. Review status: criteria provided, single submitter. Criteria: Invitae Variant Classification Sherloc (09022015). Collection method: clinical testing. Allele origin: germline.
Comment: In summary, the available evidence is currently insufficient to determine the role of this variant in disease. Therefore, it has been classified as a Variant of Uncertain Significance. Algorithms developed to predict the effect of missense changes on protein structure and function do not agree on the potential impact of this missense change (SIFT: "Deleterious"; PolyPhen-2: "Probably Damaging"; Align-GVGD: "Class C15"). This variant has not been reported in the literature in individuals with ZEB2-related disease. This variant is not present in population databases (ExAC no frequency). This sequence change replaces leucine with phenylalanine at codon 659 of the ZEB2 protein (p.Leu659Phe). The leucine residue is highly conserved and there is a small physicochemical difference between leucine and phenylalanine.

NM_014795.4(ZEB2):c.1975C>T (p.Leu659Phe)

Gene: ZEB2 (zinc finger E-box binding homeobox 2; minus strand). Cytogenetic location: 2q22.3.
Variant type: single nucleotide variant.
Coding change: c.1975C>T on transcript NM_014795.4 (MANE Select); coding-DNA position 1975, C replaced by T.
Protein change: p.Leu659Phe; replaces leucine 659 with phenylalanine.
Molecular consequence: missense variant.
Genome position (GRCh38, 1-based): chr2:144,399,212, G>A on the plus strand (C>T on the coding strand, the complement: ZEB2 is on the minus strand). VCF-style: chr2-144399212-G-A. GRCh37 (hg19) VCF-style: chr2-145156779-G-A.
Other names: c.1903C>T, p.Leu635Phe (NM_001171653.2); short protein forms L659F, L635F.
Identifiers: ClinVar variation 568915 (VCV000568915.8), dbSNP rs1560606673, ClinGen allele CA348709459.
Genomic context (GRCh38, chr2:144,399,212, plus strand): 5'-TGGAAATTTTCAGCAGTTCATCGGAGTTGGGCTCCATGTTCATAGCATAGTATGCTTTGA[G>A]TACAGACATGTGGTCCTTGTATGGGTTGATGGGGCTTGTCATTCCTTTCTCAGAAAGTAC-3'
Protein context (NP_055610.1, residues 649-669): INPYKDHMSV[Leu659Phe]KAYYAMNMEP